The following is an entry in ClinVar:

ClinVar aggregate classification (germline): Conflicting classifications of pathogenicity. Review status: criteria provided, conflicting classifications (1 of 4 stars). 2 submissions from 2 submitters: Uncertain significance (1); Likely benign (1). Last evaluated 2025-12-22.

Conditions:
FLNB-related disorder. Also called: FLNB-related disorders; FLNB-related condition. Identifiers: MedGen CN381095.

Allele frequency attached by ClinVar (database versions not stated): ExAC 0.00006; gnomAD exomes 0.00008 and 0.00011; gnomAD 0.00015 and 0.00016; TOPMed 0.00017.
gnomAD v4.1: 146 of 1,603,936 alleles (0.0091%); highest among the groups gnomAD compares: Middle Eastern, 0.1%; no homozygotes.

Submissions (2):

PreventionGenetics, part of Exact Sciences
Classification: Uncertain significance for FLNB-related condition. Last evaluated: 2025-12-22. Review status: criteria provided, single submitter. Criteria: ACMG Guidelines, 2015. Collection method: clinical testing. Allele origin: germline.
Comment: The FLNB c.3518A>C variant is predicted to result in the amino acid substitution p.Asp1173Ala. To our knowledge, this variant has not been reported in the literature. This variant is reported in 0.035% of alleles in individuals of Latino descent in gnomAD, which is likely too common for an undocumented disease-causing variant. Although we suspect that this variant may be benign, at this time, the clinical significance of this variant is uncertain due to the absence of conclusive functional and genetic evidence.

Labcorp Genetics (formerly Invitae), Labcorp
Classification: Likely benign. Last evaluated: 2025-12-17. Review status: criteria provided, single submitter. Criteria: Invitae Variant Classification Sherloc (09022015). Collection method: clinical testing. Allele origin: germline.

NM_001457.4(FLNB):c.3518A>C (p.Asp1173Ala)

Gene: FLNB (filamin B; plus strand). Cytogenetic location: 3p14.3.
Variant type: single nucleotide variant.
Coding change: c.3518A>C on transcript NM_001457.4 (MANE Select); coding-DNA position 3518, A replaced by C.
Protein change: p.Asp1173Ala; replaces aspartic acid 1173 with alanine.
Molecular consequence: missense variant.
Genome position (GRCh38, 1-based): chr3:58,123,484, A>C. VCF-style: chr3-58123484-A-C. GRCh37 (hg19) VCF-style: chr3-58109211-A-C.
Other names: c.3518A>C, p.Asp1173Ala (NM_001164317.2, NM_001164318.2, NM_001164319.2); c.3518A>C (NM_001457.3); short protein forms D1173A.
Identifiers: ClinVar variation 1023998 (VCV001023998.6), dbSNP rs201135498, ClinGen allele CA2468434.
Genomic context (GRCh38, chr3:58,123,484, plus strand): 5'-TCCTTAGCGTCGACTGCTCGGAAGCGGGACCGGGGGCCCTGGGCCTGGAAGCTGTCTCGG[A>C]CTCGGGAACAAAAGCCGAAGTCAGTATTCAGAACAACAAAGATGGCACCTACGCGGTGAC-3'
Protein context (NP_001448.2, residues 1163-1183): PGALGLEAVS[Asp1173Ala]SGTKAEVSIQ